The following is an entry in ClinVar:

NM_001297.5(CNGB1):c.2555C>T (p.Pro852Leu)

Gene: CNGB1 (cyclic nucleotide gated channel subunit beta 1; minus strand). Cytogenetic location: 16q21.
Variant type: single nucleotide variant.
Coding change: c.2555C>T on transcript NM_001297.5 (MANE Select); coding-DNA position 2555, C replaced by T.
Protein change: p.Pro852Leu; replaces proline 852 with leucine.
Molecular consequence: missense variant.
Genome position (GRCh38, 1-based): chr16:57,904,813, G>A on the plus strand (C>T on the coding strand, the complement: CNGB1 is on the minus strand). VCF-style: chr16-57904813-G-A. GRCh37 (hg19) VCF-style: chr16-57938717-G-A.
Other names: c.2537C>T, p.Pro846Leu (NM_001286130.2); short protein forms P852L, P846L.
Identifiers: ClinVar variation 963463 (VCV000963463.11), dbSNP rs768202610, ClinGen allele CA8082928.

ClinVar aggregate classification (germline): Conflicting classifications of pathogenicity. Review status: criteria provided, conflicting classifications (1 of 4 stars). 4 submissions from 4 submitters: Pathogenic (1); Likely pathogenic (1); Uncertain significance (2). Last evaluated 2026-08-05.

Conditions:
CNGB1-related disorder. Also called: CNGB1-related condition.
Retinal dystrophy. Also called: Inherited retinal dystrophy. Identifiers: Orphanet 71862, MedGen C0854723, MeSH D058499, MONDO:0019118, HP:0000556.

Allele frequency attached by ClinVar (database versions not stated): gnomAD exomes 0.00001; TOPMed 0.00001; ExAC 0.00002; gnomAD 0.00003.
gnomAD v4.1: 17 of 1,614,010 alleles (0.0011%); highest among the groups gnomAD compares: Admixed American, 0.0017%; no homozygotes.

Submissions (4):

PreventionGenetics, part of Exact Sciences
Classification: Uncertain significance for CNGB1-related condition. Last evaluated: 2026-08-05. Review status: criteria provided, single submitter. Criteria: ACMG Guidelines, 2015. Collection method: clinical testing. Allele origin: germline.
Comment: The CNGB1 c.2555C>T variant is predicted to result in the amino acid substitution p.Pro852Leu. This variant has been reported in the homozygous state in individuals with rod-cone dystrophy (Nassisi et al. 2021. PubMed ID: 33847019). This variant has also been reported in a cohort of individuals with inherited retinal disease (Supplementary Table S1, Karali et al. 2022. PubMed ID: 36460718); however, additional information has not been provided. This variant is reported in 0.0040% of alleles in individuals of European (Finnish) descent in gnomAD. At this time, the clinical significance of this variant is uncertain due to the absence of conclusive functional and genetic evidence.

Labcorp Genetics (formerly Invitae), Labcorp
Classification: Pathogenic. Last evaluated: 2025-09-26. Review status: criteria provided, single submitter. Criteria: Invitae Variant Classification Sherloc (09022015). Collection method: clinical testing. Allele origin: germline.
Comment: This sequence change replaces proline, which is neutral and non-polar, with leucine, which is neutral and non-polar, at codon 852 of the CNGB1 protein (p.Pro852Leu). This variant is present in population databases (rs768202610, gnomAD 0.004%). This missense change has been observed in individual(s) with retinitis pigmentosa (PMID: 33847019; internal data). In at least one individual the data is consistent with being in trans (on the opposite chromosome) from a pathogenic variant. ClinVar contains an entry for this variant (Variation ID: 963463). Invitae Evidence Modeling of protein sequence and biophysical properties (such as structural, functional, and spatial information, amino acid conservation, physicochemical variation, residue mobility, and thermodynamic stability) indicates that this missense variant is expected to disrupt CNGB1 protein function with a positive predictive value of 80%. For these reasons, this variant has been classified as Pathogenic.

Blueprint Genetics
Classification: Likely pathogenic for CNGB1-related disorders. Last evaluated: 2024-03-08. Review status: criteria provided, single submitter. Criteria: ACMG Guidelines, 2015. Collection method: clinical testing. Allele origin: germline. Affected: yes. Observed: 5 variant alleles.

Institute of Human Genetics, Univ. Regensburg, Univ. Regensburg
Classification: Uncertain significance for Retinal dystrophy. Last evaluated: 2017-01-01. Review status: criteria provided, single submitter. Criteria: ACMG Guidelines, 2015. Collection method: clinical testing. Allele origin: germline. Affected: yes.

Literature cited by the submitters: PubMed 33847019 (cited by Labcorp Genetics (formerly Invitae), Labcorp and Institute of Human Genetics, Univ. Regensburg, Univ. Regensburg); PubMed 3646071 (cited by Institute of Human Genetics, Univ. Regensburg, Univ. Regensburg).